The following is an entry in ClinVar:

ClinVar aggregate classification (germline): Uncertain significance (1 of 4 stars; one submission).

Conditions:
CHARGE syndrome (CHARGE). Also called: Hittner Hirsch Kreh syndrome; CHARGE ASSOCIATION--COLOBOMA, HEART ANOMALY, CHOANAL ATRESIA, RETARDATION, GENITAL AND EAR ANOMALIES; Coloboma, heart anomaly, choanal atresia, retardation, genital and ear anomalies; CHARGE association; Hall-Hittner syndrome. Identifiers: Orphanet 138, MedGen C0265354, MONDO:0008965.

Allele frequency attached by ClinVar (database versions not stated): gnomAD exomes below 0.00001.
gnomAD v4.1: 1 of 1,613,992 alleles (0.000062%); highest among the groups gnomAD compares: Non-Finnish European, 0.000085%; no homozygotes.

Submission:

Labcorp Genetics (formerly Invitae), Labcorp
Classification: Uncertain significance for CHARGE syndrome. Last evaluated: 2022-09-01. Review status: criteria provided, single submitter. Criteria: Invitae Variant Classification Sherloc (09022015). Collection method: clinical testing. Allele origin: germline.
Comment: This sequence change replaces glutamine, which is neutral and polar, with proline, which is neutral and non-polar, at codon 222 of the CHD7 protein (p.Gln222Pro). This variant is not present in population databases (gnomAD no frequency). This variant has not been reported in the literature in individuals affected with CHD7-related conditions. Advanced modeling of protein sequence and biophysical properties (such as structural, functional, and spatial information, amino acid conservation, physicochemical variation, residue mobility, and thermodynamic stability) performed at Invitae indicates that this missense variant is not expected to disrupt CHD7 protein function. In summary, the available evidence is currently insufficient to determine the role of this variant in disease. Therefore, it has been classified as a Variant of Uncertain Significance.

NM_017780.4(CHD7):c.665A>C (p.Gln222Pro)

Gene: CHD7 (chromodomain helicase DNA binding protein 7; plus strand). Cytogenetic location: 8q12.2.
Variant type: single nucleotide variant.
Coding change: c.665A>C on transcript NM_017780.4 (MANE Select); coding-DNA position 665, A replaced by C.
Protein change: p.Gln222Pro; replaces glutamine 222 with proline.
Molecular consequence: missense variant.
Genome position (GRCh38, 1-based): chr8:60,742,097, A>C. VCF-style: chr8-60742097-A-C. GRCh37 (hg19) VCF-style: chr8-61654656-A-C.
Other names: c.665A>C, p.Gln222Pro (NM_001316690.1); short protein forms Q222P.
Identifiers: ClinVar variation 2041963 (VCV002041963.4), dbSNP rs1586249091, ClinGen allele CA371298726.